The following is an entry in ClinVar:

NM_004336.5(BUB1):c.26+3A>G

Gene: BUB1 (BUB1 mitotic checkpoint serine/threonine kinase; minus strand). Cytogenetic location: 2q13.
Variant type: single nucleotide variant.
Coding change: c.26+3A>G on transcript NM_004336.5 (MANE Select); 3 bases into the intron after coding-DNA position 26, A replaced by G.
Molecular consequence: intron variant.
Genome position (GRCh38, 1-based): chr2:110,677,967, T>C on the plus strand (A>G on the coding strand, the complement: BUB1 is on the minus strand). VCF-style: chr2-110677967-T-C. GRCh37 (hg19) VCF-style: chr2-111435544-T-C.
Other names: c.26+3A>G (NM_001278616.2, NM_001278617.2).
Identifiers: ClinVar variation 3669914 (VCV003669914.2).

ClinVar aggregate classification (germline): Uncertain significance (1 of 4 stars; one submission).

gnomAD v4.1: 197 of 1,609,014 alleles (0.012%); highest among the groups gnomAD compares: Non-Finnish European, 0.016%; no homozygotes.

Submission:

Labcorp Genetics (formerly Invitae), Labcorp
Classification: Uncertain significance. Last evaluated: 2025-08-15. Review status: criteria provided, single submitter. Criteria: Invitae Variant Classification Sherloc (09022015). Collection method: clinical testing. Allele origin: germline.
Comment: This sequence change falls in intron 1 of the BUB1 gene. It does not directly change the encoded amino acid sequence of the BUB1 protein. It affects a nucleotide within the consensus splice site. This variant is present in population databases (rs368719614, gnomAD 0.02%). This variant has not been reported in the literature in individuals affected with BUB1-related conditions. ClinVar contains an entry for this variant (Variation ID: 3669914). Variants that disrupt the consensus splice site are a relatively common cause of aberrant splicing (PMID: 17576681, 9536098). Algorithms developed to predict the effect of sequence changes on RNA splicing suggest that this variant is not likely to affect RNA splicing. In summary, the available evidence is currently insufficient to determine the role of this variant in disease. Therefore, it has been classified as a Variant of Uncertain Significance.

Literature cited by the submitters: PubMed 17576681; PubMed 9536098.